The following is an entry in ClinVar:

ClinVar aggregate classification (germline): Conflicting classifications of pathogenicity. Review status: criteria provided, conflicting classifications (1 of 4 stars). 3 submissions from 3 submitters: Uncertain significance (1); Likely benign (2). Last evaluated 2024-12-16.

Allele frequency attached by ClinVar (database versions not stated): TOPMed 0.00005; gnomAD 0.00006 and 0.00007; gnomAD exomes 0.00007 and 0.00010; ExAC 0.00009.
gnomAD v4.1: 116 of 1,207,469 alleles (0.0096%); highest among the groups gnomAD compares: Non-Finnish European, 0.013%; no homozygotes.

Submissions (3):

Labcorp Genetics (formerly Invitae), Labcorp
Classification: Uncertain significance. Last evaluated: 2024-12-16. Review status: criteria provided, single submitter. Criteria: Invitae Variant Classification Sherloc (09022015). Collection method: clinical testing. Allele origin: germline.
Comment: This sequence change replaces threonine, which is neutral and polar, with alanine, which is neutral and non-polar, at codon 166 of the GPR143 protein (p.Thr166Ala). This variant is present in population databases (rs754693386, gnomAD 0.01%). This variant has not been reported in the literature in individuals affected with GPR143-related conditions. ClinVar contains an entry for this variant (Variation ID: 872682). Invitae Evidence Modeling of protein sequence and biophysical properties (such as structural, functional, and spatial information, amino acid conservation, physicochemical variation, residue mobility, and thermodynamic stability) indicates that this missense variant is not expected to disrupt GPR143 protein function with a negative predictive value of 95%. In summary, the available evidence is currently insufficient to determine the role of this variant in disease. Therefore, it has been classified as a Variant of Uncertain Significance.

CeGaT Center for Human Genetics Tuebingen
Classification: Likely benign. Last evaluated: 2022-10-01. Review status: criteria provided, single submitter. Criteria: CeGaT Center For Human Genetics Tuebingen Variant Classification Criteria Version 2. Collection method: clinical testing. Allele origin: germline. Affected: yes. Observed: 2 variant alleles.
Comment: GPR143: BP4, BS2

Blueprint Genetics
Classification: Likely benign. Last evaluated: 2018-12-19. Review status: criteria provided, single submitter. Criteria: ACMG Guidelines, 2015. Collection method: clinical testing. Allele origin: germline.

NM_000273.3(GPR143):c.496A>G (p.Thr166Ala)

Gene: GPR143 (G protein-coupled receptor 143; minus strand). Cytogenetic location: Xp22.2.
Variant type: single nucleotide variant.
Coding change: c.496A>G on transcript NM_000273.3 (MANE Select); coding-DNA position 496, A replaced by G.
Protein change: p.Thr166Ala; replaces threonine 166 with alanine.
Molecular consequence: missense variant.
Genome position (GRCh38, 1-based): chrX:9,748,626, T>C on the plus strand (A>G on the coding strand, the complement: GPR143 is on the minus strand). VCF-style: chrX-9748626-T-C. GRCh37 (hg19) VCF-style: chrX-9716666-T-C.
Other names: short protein forms T166A.
Identifiers: ClinVar variation 872682 (VCV000872682.46), dbSNP rs754693386, ClinGen allele CA10345007.
Genomic context (GRCh38, chrX:9,748,626, plus strand): 5'-CAACTTACCTGGACACGGAAGGGTAGTAGAGCATGGCGGCTCCCTCCACACAGAGCAGGG[T>C]GGCCAGGCCCCACGCCATGATGTGATACAGCAGGATGGTGCTAGGGGACAAGCACAACAG-3'
Protein context (NP_000264.2, residues 156-176): LYHIMAWGLA[Thr166Ala]LLCVEGAAML